The following is an entry in ClinVar:

ClinVar aggregate classification (germline): Uncertain significance (1 of 4 stars; one submission).

Conditions:
Fetal akinesia deformation sequence 2. Identifiers: MedGen C4760576, MONDO:0100102, OMIM 618388.

Submission:

Broad Center for Mendelian Genomics, Broad Institute of MIT and Harvard
Classification: Uncertain significance for Fetal akinesia deformation sequence 2. Last evaluated: 2024-05-13. Review status: criteria provided, single submitter. Criteria: ACMG Guidelines, 2015. Collection method: curation. Allele origin: germline. Inheritance: Autosomal recessive inheritance.
Comment: This variant was absent from large population studies. Computational prediction tools and conservation analyses do not provide strong support for or against an impact to the protein. In summary, the clinical significance of the p.Arg268Met variant is uncertain. ACMG/AMP Criteria applied: PM3_Supporting, PM2_Supporting (Richards 2015).

NM_005055.5(RAPSN):c.803G>T (p.Arg268Met)

Gene: RAPSN (receptor associated protein of the synapse; minus strand). Cytogenetic location: 11p11.2.
Variant type: single nucleotide variant.
Coding change: c.803G>T on transcript NM_005055.5 (MANE Select); coding-DNA position 803, G replaced by T.
Protein change: p.Arg268Met; replaces arginine 268 with methionine.
Molecular consequence: missense variant. On other transcripts: intron variant (1).
Genome position (GRCh38, 1-based): chr11:47,441,720, C>A on the plus strand (G>T on the coding strand, the complement: RAPSN is on the minus strand). VCF-style: chr11-47441720-C-A. GRCh37 (hg19) VCF-style: chr11-47463272-C-A.
Other names: NM_032645.5:c.789+103G>T; c.789+103G>T (NM_032645.5); short protein forms R268M.
Identifiers: ClinVar variation 3236670 (VCV003236670.1), dbSNP rs1285793136, ClinGen allele CA380329772.